The following is an entry in ClinVar:

NM_000388.4(CASR):c.1389C>A (p.His463Gln)

Gene: CASR (calcium sensing receptor; plus strand). Cytogenetic location: 3q21.1.
Variant type: single nucleotide variant.
Coding change: c.1389C>A on transcript NM_000388.4 (MANE Select); coding-DNA position 1389, C replaced by A.
Protein change: p.His463Gln; replaces histidine 463 with glutamine.
Molecular consequence: missense variant.
Genome position (GRCh38, 1-based): chr3:122,275,823, C>A. VCF-style: chr3-122275823-C-A. GRCh37 (hg19) VCF-style: chr3-121994670-C-A.
Other names: c.1389C>A, p.His463Gln (NM_001178065.2); short protein forms H463Q.
Identifiers: ClinVar variation 573748 (VCV000573748.14), dbSNP rs201572629, ClinGen allele CA2569649.

ClinVar aggregate classification (germline): Conflicting classifications of pathogenicity. Review status: criteria provided, conflicting classifications (1 of 4 stars). 4 submissions from 4 submitters: Uncertain significance (3); Likely benign (1). Last evaluated 2025-10-03.

Conditions:
Autosomal dominant hypocalcemia 1 (HYPOC1). Also called: HYPOCALCEMIA, FAMILIAL. Identifiers: MedGen C3715128, MONDO:0011013, OMIM 601198.
Familial hypocalciuric hypercalcemia 1. Also called: Hypercalcemia, familial benign type 1. Identifiers: Orphanet 405, Orphanet 93372, MedGen C0342637, MONDO:0007791, OMIM 145980.
Familial hypocalciuric hypercalcemia (FHH). Also called: Familial benign hypercalcemia. Identifiers: Orphanet 405, MedGen C1809471, MONDO:0018458.
Nephrolithiasis/nephrocalcinosis. Identifiers: MedGen CN580796.

Allele frequency attached by ClinVar (database versions not stated): gnomAD 0.00001; TOPMed 0.00001; gnomAD exomes 0.00003; ExAC 0.00004.
gnomAD v4.1: 18 of 1,613,130 alleles (0.0011%); highest among the groups gnomAD compares: Non-Finnish European, 0.0015%; no homozygotes.

Submissions (4):

Rare Kidney Stone Consortium and the Mayo Clinic Hyperoxaluria Center, Mayo Clinic
Classification: Uncertain significance for Autosomal dominant hypocalcemia 1; Familial hypocalciuric hypercalcemia 1. Last evaluated: 2025-10-03. Review status: criteria provided, single submitter. Criteria: ACMG Guidelines, 2015. Collection method: research. Allele origin: germline. Observed: 1 variant allele.
Comment: ACMG:PM1, PM2, PP2, BP4

Labcorp Genetics (formerly Invitae), Labcorp
Classification: Likely benign for Familial hypocalciuric hypercalcemia; Autosomal dominant hypocalcemia 1. Last evaluated: 2025-06-27. Review status: criteria provided, single submitter. Criteria: Invitae Variant Classification Sherloc (09022015). Collection method: clinical testing. Allele origin: germline.

Ambry Genetics
Classification: Uncertain significance for Nephrolithiasis/nephrocalcinosis. Last evaluated: 2023-07-03. Review status: criteria provided, single submitter. Criteria: Ambry Variant Classification Scheme 2023. Collection method: clinical testing. Allele origin: germline.
Comment: The p.H463Q variant (also known as c.1389C>A), located in coding exon 4 of the CASR gene, results from a C to A substitution at nucleotide position 1389. The histidine at codon 463 is replaced by glutamine, an amino acid with highly similar properties. This variant has been detected in two individuals from familial hypocalciuric hypercalcemia cohorts; however, details were limited (Nissen PH et al. Clin. Chim. Acta, 2012 Mar;413:605-11; Carlsson ER et al. Case Rep Endocrinol, 2019 Feb;2019:9468252). This amino acid position is not well conserved in available vertebrate species, and glutamine is the reference amino acid in other vertebrate species. In addition, this alteration is predicted to be tolerated by in silico analysis. Since supporting evidence is limited at this time, the clinical significance of this alteration remains unclear.

Blueprint Genetics
Classification: Uncertain significance. Last evaluated: 2020-09-15. Review status: criteria provided, single submitter. Criteria: ACMG Guidelines, 2015. Collection method: clinical testing. Allele origin: germline.

Literature cited by the submitters: PubMed 22192860 (cited by Rare Kidney Stone Consortium and the Mayo Clinic Hyperoxaluria Center, Mayo Clinic and Ambry Genetics); PubMed 40794449 (cited by Rare Kidney Stone Consortium and the Mayo Clinic Hyperoxaluria Center, Mayo Clinic); PubMed 30895164 (cited by Ambry Genetics).